The following is an entry in ClinVar:

ClinVar aggregate classification (germline): Uncertain significance (1 of 4 stars; one submission).

Conditions:
Autosomal recessive mendelian susceptibility to mycobacterial diseases due to complete RORgamma receptor deficiency. Also called: Immunodeficiency 42. Identifiers: Orphanet 477857, MedGen C5567647, MONDO:0014710, OMIM 616622.

Allele frequency attached by ClinVar (database versions not stated): gnomAD 0.00001; gnomAD exomes 0.00001; TOPMed 0.00001.

Submission:

Labcorp Genetics (formerly Invitae), Labcorp
Classification: Uncertain significance for Autosomal recessive mendelian susceptibility to mycobacterial diseases due to complete RORgamma receptor deficiency. Last evaluated: 2019-09-30. Review status: criteria provided, single submitter. Criteria: Invitae Variant Classification Sherloc (09022015). Collection method: clinical testing. Allele origin: germline.
Comment: In summary, the available evidence is currently insufficient to determine the role of this variant in disease. Therefore, it has been classified as a Variant of Uncertain Significance. Algorithms developed to predict the effect of missense changes on protein structure and function (SIFT, PolyPhen-2, Align-GVGD) all suggest that this variant is likely to be tolerated, but these predictions have not been confirmed by published functional studies and their clinical significance is uncertain. This variant has not been reported in the literature in individuals with RORC-related conditions. This variant is not present in population databases (ExAC no frequency). This sequence change replaces proline with arginine at codon 5 of the RORC protein (p.Pro5Arg). The proline residue is weakly conserved and there is a moderate physicochemical difference between proline and arginine.

NM_005060.4(RORC):c.14C>G (p.Pro5Arg)

Gene: RORC (RAR related orphan receptor C; minus strand). Cytogenetic location: 1q21.3.
Variant type: single nucleotide variant.
Coding change: c.14C>G on transcript NM_005060.4 (MANE Select); coding-DNA position 14, C replaced by G.
Protein change: p.Pro5Arg; replaces proline 5 with arginine.
Molecular consequence: missense variant.
Genome position (GRCh38, 1-based): chr1:151,831,751, G>C on the plus strand (C>G on the coding strand, the complement: RORC is on the minus strand). VCF-style: chr1-151831751-G-C. GRCh37 (hg19) VCF-style: chr1-151804227-G-C.
Other names: short protein forms P5R.
Identifiers: ClinVar variation 967901 (VCV000967901.7), dbSNP rs201660295, ClinGen allele CA30511253.